The following is an entry in ClinVar:

NM_001165963.4(SCN1A):c.694+258G>A

Gene: SCN1A (sodium voltage-gated channel alpha subunit 1; minus strand). Cytogenetic location: 2q24.3.
Variant type: single nucleotide variant.
Coding change: c.694+258G>A on transcript NM_001165963.4 (MANE Select); 258 bases into the intron after coding-DNA position 694, G replaced by A.
Molecular consequence: intron variant.
Genome position (GRCh38, 1-based): chr2:166,052,594, C>T on the plus strand (G>A on the coding strand, the complement: SCN1A is on the minus strand). VCF-style: chr2-166052594-C-T. GRCh37 (hg19) VCF-style: chr2-166909104-C-T.
Other names: c.694+258G>A (NM_001353949.2, NM_001353958.2, NM_001353950.2 and 10 more transcripts); c.-1732+258G>A (NM_001353961.2).
Identifiers: ClinVar variation 684214 (VCV000684214.2), dbSNP rs1841546, ClinGen allele CA16118013.

ClinVar aggregate classification (germline): Benign. Review status: criteria provided, multiple submitters, no conflicts (2 of 4 stars). 2 submissions from 2 submitters: Benign (2). Last evaluated 2018-06-18.

Allele frequency attached by ClinVar (database versions not stated): TOPMed 0.46947; 1000 Genomes Project 30x 0.48673; 1000 Genomes Project 0.49401; gnomAD 0.49844 and 0.50279.
gnomAD v4.1: 73,405 of 145,796 alleles (50%); highest among the groups gnomAD compares: East Asian, 58%; 18,519 homozygotes.

Submissions (2):

GeneDx
Classification: Benign. Last evaluated: 2018-06-18. Review status: criteria provided, single submitter. Criteria: GeneDx Variant Classification (06012015). Collection method: clinical testing. Allele origin: germline. Affected: yes.
Comment: This variant is considered likely benign or benign based on one or more of the following criteria: it is a conservative change, it occurs at a poorly conserved position in the protein, it is predicted to be benign by multiple in silico algorithms, and/or has population frequency not consistent with disease.

Breakthrough Genomics
Classification: Benign. Review status: criteria provided, single submitter. Criteria: ACMG Guidelines, 2015. Collection method: not provided. Allele origin: germline. Inheritance: Autosomal dominant inheritance. Affected: yes.